The following is an entry in ClinVar:

NM_000093.5(COL5A1):c.4963T>C (p.Trp1655Arg)

Genes: COL5A1 (collagen type V alpha 1 chain; plus strand), LOC101448202 (uncharacterized LOC101448202; minus strand). Cytogenetic location: 9q34.3.
Variant type: single nucleotide variant.
Coding change: c.4963T>C on transcript NM_000093.5 (MANE Select); coding-DNA position 4963, T replaced by C.
Protein change: p.Trp1655Arg; replaces tryptophan 1655 with arginine.
Molecular consequence: missense variant.
Genome position (GRCh38, 1-based): chr9:134,825,800, T>C. VCF-style: chr9-134825800-T-C. GRCh37 (hg19) VCF-style: chr9-137717646-T-C.
Other names: c.4963T>C (NM_000093.3); c.4963T>C, p.Trp1655Arg (NM_001278074.1); short protein forms W1655R.
Identifiers: ClinVar variation 2851957 (VCV002851957.4), dbSNP rs2490886214, ClinGen allele CA375458832.

ClinVar aggregate classification (germline): Uncertain significance. Review status: criteria provided, multiple submitters, no conflicts (2 of 4 stars). 2 submissions from 2 submitters: Uncertain significance (2). Last evaluated 2026-07-29.

Conditions:
Familial thoracic aortic aneurysm and aortic dissection (TAAD). Also called: Thoracic aortic aneurysms and dissections. Identifiers: Orphanet 91387, MedGen C4707243, MONDO:0019625.
Ehlers-Danlos syndrome, classic type, 1 (EDSCL1). Also called: Ehlers-Danlos syndrome, type 1; Ehlers-Danlos Syndrome, Classic Type, COL5A1-Related; EHLERS-DANLOS SYNDROME, GRAVIS TYPE; EHLERS-DANLOS SYNDROME, SEVERE CLASSIC TYPE; EDS I. Identifiers: MedGen C0268335, MONDO:0019567, OMIM 130000.

Submissions (2):

Ambry Genetics
Classification: Uncertain significance for Familial thoracic aortic aneurysm and aortic dissection. Last evaluated: 2026-07-29. Review status: criteria provided, single submitter. Criteria: Ambry Variant Classification Scheme 2023. Collection method: clinical testing. Allele origin: germline.

Labcorp Genetics (formerly Invitae), Labcorp
Classification: Uncertain significance for Ehlers-Danlos syndrome, classic type, 1. Last evaluated: 2023-04-04. Review status: criteria provided, single submitter. Criteria: Invitae Variant Classification Sherloc (09022015). Collection method: clinical testing. Allele origin: germline.
Comment: In summary, the available evidence is currently insufficient to determine the role of this variant in disease. Therefore, it has been classified as a Variant of Uncertain Significance. This sequence change replaces tryptophan, which is neutral and slightly polar, with arginine, which is basic and polar, at codon 1655 of the COL5A1 protein (p.Trp1655Arg). This variant is not present in population databases (gnomAD no frequency). This variant has not been reported in the literature in individuals affected with COL5A1-related conditions. Advanced modeling of protein sequence and biophysical properties (such as structural, functional, and spatial information, amino acid conservation, physicochemical variation, residue mobility, and thermodynamic stability) has been performed at Invitae for this missense variant, however the output from this modeling did not meet the statistical confidence thresholds required to predict the impact of this variant on COL5A1 protein function.